The following is an entry in ClinVar:

NM_001561.6(TNFRSF9):c.349T>C (p.Cys117Arg)

Gene: TNFRSF9 (TNF receptor superfamily member 9; minus strand). Cytogenetic location: 1p36.23.
Variant type: single nucleotide variant.
Coding change: c.349T>C on transcript NM_001561.6 (MANE Select); coding-DNA position 349, T replaced by C.
Protein change: p.Cys117Arg; replaces cysteine 117 with arginine.
Molecular consequence: missense variant.
Genome position (GRCh38, 1-based): chr1:7,937,754, A>G on the plus strand (T>C on the coding strand, the complement: TNFRSF9 is on the minus strand). VCF-style: chr1-7937754-A-G. GRCh37 (hg19) VCF-style: chr1-7997814-A-G.
Other names: short protein forms C117R.
Identifiers: ClinVar variation 3971426 (VCV003971426.2).

ClinVar aggregate classification (germline): Uncertain significance. Review status: criteria provided, multiple submitters, no conflicts (2 of 4 stars). 2 submissions from 2 submitters: Uncertain significance (2). Last evaluated 2025-05-27.

Conditions:
Inborn genetic diseases. Identifiers: MedGen C0950123, MeSH D030342.

gnomAD v4.1: 5 of 1,611,130 alleles (0.00031%); highest among the groups gnomAD compares: African/African-American, 0.0053%; no homozygotes.

Submissions (2):

Labcorp Genetics (formerly Invitae), Labcorp
Classification: Uncertain significance. Last evaluated: 2025-05-27. Review status: criteria provided, single submitter. Criteria: Invitae Variant Classification Sherloc (09022015). Collection method: clinical testing. Allele origin: germline.
Comment: This sequence change replaces cysteine, which is neutral and slightly polar, with arginine, which is basic and polar, at codon 117 of the TNFRSF9 protein (p.Cys117Arg). This variant is present in population databases (rs371033313, gnomAD 0.01%). This variant has not been reported in the literature in individuals affected with TNFRSF9-related conditions. An algorithm developed to predict the effect of missense changes on protein structure and function (PolyPhen-2) suggests that this variant is likely to be disruptive. In summary, the available evidence is currently insufficient to determine the role of this variant in disease. Therefore, it has been classified as a Variant of Uncertain Significance.

Ambry Genetics
Classification: Uncertain significance for Inborn genetic diseases. Last evaluated: 2025-04-10. Review status: criteria provided, single submitter. Criteria: Ambry Variant Classification Scheme 2023. Collection method: clinical testing. Allele origin: germline.